The following is an entry in ClinVar:

ClinVar aggregate classification (germline): Uncertain significance (1 of 4 stars; one submission).

Submission:

Labcorp Genetics (formerly Invitae), Labcorp
Classification: Uncertain significance. Last evaluated: 2022-02-05. Review status: criteria provided, single submitter. Criteria: Invitae Variant Classification Sherloc (09022015). Collection method: clinical testing. Allele origin: germline.
Comment: In summary, the available evidence is currently insufficient to determine the role of this variant in disease. Therefore, it has been classified as a Variant of Uncertain Significance. Experimental studies and prediction algorithms are not available or were not evaluated, and the functional significance of this variant is currently unknown. This variant has not been reported in the literature in individuals affected with GRM1-related conditions. The frequency data for this variant in the population databases is considered unreliable, as metrics indicate poor data quality at this position in the gnomAD database. This variant, c.3295_3297del, results in the deletion of 1 amino acid(s) of the GRM1 protein (p.Asp1099del), but otherwise preserves the integrity of the reading frame.

NM_001278064.2(GRM1):c.3283GAC[4] (p.Asp1099del)

Gene: GRM1 (glutamate metabotropic receptor 1; plus strand). Cytogenetic location: 6q24.3.
Variant type: Microsatellite.
Coding change: c.3283GAC[4] on transcript NM_001278064.2 (MANE Select); four copies in a row of the 3-base unit GAC starting at c.3283; the reference has five copies in a row; one copy, 3 bases deleted.
Protein change: p.Asp1099del; deletes aspartic acid 1099.
Molecular consequence: inframe deletion. On other transcripts: 3 prime UTR variant (3).
Genome position (GRCh38, 1-based): chr6:146,434,506-146,434,508, GAC deleted; deleting any 3 consecutive bases within chr6:146,434,494-146,434,508 gives the same sequence; the position shown is the placement nearest the transcript's 3' end. VCF-style (leftmost placement, unchanged base first): chr6-146434493-GGAC-G. GRCh37 (hg19) VCF-style: chr6-146755629-GGAC-G.
Other names: c.*647GAC[4] (NM_001278065.2); c.*612GAC[4] (NM_001278066.1); c.*521GAC[4] (NM_001278067.1); short protein forms D1099del.
Identifiers: ClinVar variation 1904113 (VCV001904113.5), dbSNP rs750936487, ClinGen allele CA4037670.